The following is an entry in ClinVar:

NM_000059.4(BRCA2):c.2948C>T (p.Pro983Leu)

Gene: BRCA2 (BRCA2 DNA repair associated; plus strand). Cytogenetic location: 13q13.1.
Variant type: single nucleotide variant.
Coding change: c.2948C>T on transcript NM_000059.4 (MANE Select); coding-DNA position 2948, C replaced by T.
Protein change: p.Pro983Leu; replaces proline 983 with leucine.
Molecular consequence: missense variant. On other transcripts: non-coding transcript variant (1), intron variant (2).
Genome position (GRCh38, 1-based): chr13:32,337,303, C>T. VCF-style: chr13-32337303-C-T. GRCh37 (hg19) VCF-style: chr13-32911440-C-T.
Other names: c.2948C>T, p.Pro983Leu (NM_001406719.1, NM_001406720.1); c.1909+3916C>T (NM_001406721.1); c.424+6273C>T (NM_001406722.1); short protein forms P983L.
Identifiers: ClinVar variation 2501555 (VCV002501555.2), dbSNP rs2137491576, ClinGen allele CA387774346.
Genomic context (GRCh38, chr13:32,337,303, plus strand): 5'-TAAAAATGACTCTAGGTCAAGATTTAAAATCGGACATCTCCTTGAATATAGATAAAATAC[C>T]AGAAAAAAATAATGATTACATGAACAAATGGGCAGGACTCTTAGGTCCAATTTCAAATCA-3'
Protein context (NP_000050.3, residues 973-993): SDISLNIDKI[Pro983Leu]EKNNDYMNKW

ClinVar aggregate classification (germline): Uncertain significance. Review status: criteria provided, multiple submitters, no conflicts (2 of 4 stars). 2 submissions from 2 submitters: Uncertain significance (2). Last evaluated 2025-06-02.

Conditions:
Hereditary cancer-predisposing syndrome. Also called: Hereditary Cancer Syndrome; Hereditary neoplastic syndrome; Neoplastic Syndromes, Hereditary; Tumor predisposition. Identifiers: Orphanet 140162, MedGen C0027672, MeSH D009386, MONDO:0015356.

Submissions (2):

Ambry Genetics
Classification: Uncertain significance for Hereditary cancer-predisposing syndrome. Last evaluated: 2025-06-02. Review status: criteria provided, single submitter. Criteria: Ambry Variant Classification Scheme 2023. Collection method: clinical testing. Allele origin: germline.
Comment: The p.P983L variant (also known as c.2948C>T), located in coding exon 10 of the BRCA2 gene, results from a C to T substitution at nucleotide position 2948. The proline at codon 983 is replaced by leucine, an amino acid with similar properties. This amino acid position is conserved. In addition, this alteration is predicted to be tolerated by in silico analysis. Based on the available evidence, the clinical significance of this variant remains unclear.

GeneDx
Classification: Uncertain significance. Last evaluated: 2022-11-07. Review status: criteria provided, single submitter. Criteria: GeneDx Variant Classification Process June 2021. Collection method: clinical testing. Allele origin: germline. Affected: yes.
Comment: Not observed at significant frequency in large population cohorts (gnomAD); In silico analysis supports that this missense variant does not alter protein structure/function; Has not been previously published as pathogenic or benign to our knowledge; Also known as 3176C>T